The following is an entry in ClinVar:

NM_004329.3(BMPR1A):c.156_165del (p.Glu53fs)

Gene: BMPR1A (bone morphogenetic protein receptor type 1A; plus strand). Cytogenetic location: 10q23.2.
Variant type: Deletion.
Coding change: c.156_165del on transcript NM_004329.3 (MANE Select); coding-DNA positions 156 to 165, 10 bases deleted (AGAGGATACC; older notation c.156_165delAGAGGATACC).
Protein change: p.Glu53fs; shifts the reading frame from glutamic acid 53.
Molecular consequence: frameshift variant.
Genome position (GRCh38, 1-based): chr10:86,890,150-86,890,159, AGAGGATACC deleted; deleting any 10 consecutive bases within chr10:86,890,147-86,890,159 gives the same sequence; the c. name uses the placement nearest the transcript's 3' end. VCF-style (leftmost placement, unchanged base first): chr10-86890146-CACCAGAGGAT-C. GRCh37 (hg19) VCF-style: chr10-88649903-CACCAGAGGAT-C.
Other names: short protein forms E53fs.
Identifiers: ClinVar variation 1071410 (VCV001071410.7), dbSNP rs2133395477, ClinGen allele CA2499220421.

ClinVar aggregate classification (germline): Pathogenic (1 of 4 stars; one submission).

Conditions:
Juvenile polyposis syndrome (JPS). Identifiers: Orphanet 2929, MedGen C0345893, MONDO:0017380, OMIM 174900.

Submission:

Labcorp Genetics (formerly Invitae), Labcorp
Classification: Pathogenic for Juvenile polyposis syndrome. Last evaluated: 2020-08-15. Review status: criteria provided, single submitter. Criteria: Invitae Variant Classification Sherloc (09022015). Collection method: clinical testing. Allele origin: germline.
Comment: This variant is not present in population databases (ExAC no frequency). This variant has not been reported in the literature in individuals with BMPR1A-related conditions. Loss-of-function variants in BMPR1A are known to be pathogenic (PMID: 11536076, 12417513). For these reasons, this variant has been classified as Pathogenic. This sequence change creates a premature translational stop signal (p.Glu53Cysfs*4) in the BMPR1A gene. It is expected to result in an absent or disrupted protein product.

Literature cited by the submitters: PubMed 11536076; PubMed 12417513.